The following is an entry in ClinVar:

ClinVar aggregate classification (germline): Uncertain significance (1 of 4 stars; one submission).

Conditions:
Malignant hyperthermia, susceptibility to, 5 (MHS5). Also called: CACNA1S-Related Malignant Hyperthermia Susceptibility. Identifiers: Orphanet 423, MedGen C1866077, MONDO:0011163, OMIM 601887.

Submission:

All of Us Research Program, National Institutes of Health
Classification: Uncertain significance for Malignant hyperthermia, susceptibility to, 5. Last evaluated: 2024-09-23. Review status: criteria provided, single submitter. Criteria: ACMG Guidelines, 2015. Collection method: clinical testing. Allele origin: germline. Inheritance: Autosomal dominant inheritance. Observed: 2 variant alleles, 2 heterozygotes.
Comment: This missense variant replaces glutamic acid with lysine at codon 1636 of the CACNA1S protein. Computational prediction suggests that this variant may not impact protein structure and function (internally defined REVEL score threshold <= 0.5, PMID: 27666373). To our knowledge, functional studies have not been reported for this variant. This variant has not been reported in individuals affected with CACNA1S-related disorders in the literature. This variant has not been identified in the general population by the Genome Aggregation Database (gnomAD). The available evidence is insufficient to determine the role of this variant in disease conclusively. Therefore, this variant is classified as a Variant of Uncertain Significance.

This study involves interpretation of variants in research participants for the purpose of population health screening. Participant phenotype was not available at the time of variant classification. Additional details can be found in publication PMID: 35346344, PMCID: PMC8962531

NM_000069.3(CACNA1S):c.4906G>A (p.Glu1636Lys)

Gene: CACNA1S (calcium voltage-gated channel subunit alpha1 S; minus strand). Cytogenetic location: 1q32.1.
Variant type: single nucleotide variant.
Coding change: c.4906G>A on transcript NM_000069.3 (MANE Select); coding-DNA position 4906, G replaced by A.
Protein change: p.Glu1636Lys; replaces glutamic acid 1636 with lysine.
Molecular consequence: missense variant.
Genome position (GRCh38, 1-based): chr1:201,043,423, C>T on the plus strand (G>A on the coding strand, the complement: CACNA1S is on the minus strand). VCF-style: chr1-201043423-C-T. GRCh37 (hg19) VCF-style: chr1-201012551-C-T.
Other names: short protein forms E1636K.
Identifiers: ClinVar variation 3072035 (VCV003072035.2), dbSNP rs2464411204, ClinGen allele CA344136842.
Genomic context (GRCh38, chr1:201,043,423, plus strand): 5'-GGGGGTTGGTGCGTGGATCTTGTGGGAAGTCCTCCAAGAAGACAGGTGACTCCATCTCTT[C>T]CATCTCTATCTCAGCAAACTGGAGGGGTCTCTGATTGGCCATGACGGGGGGCAGGGAGTT-3'
Protein context (NP_000060.2, residues 1626-1646): RPLQFAEIEM[Glu1636Lys]EMESPVFLED